The following is an entry in ClinVar:

ClinVar aggregate classification (germline): Uncertain significance (1 of 4 stars; one submission).

Submission:

Greenwood Genetic Center Diagnostic Laboratories, Greenwood Genetic Center
Classification: Uncertain significance. Last evaluated: 2022-07-26. Review status: criteria provided, single submitter. Criteria: ACMG Guidelines, 2015. Collection method: clinical testing. Allele origin: germline. Affected: yes.
Comment: PS2, PM2, BP4

NM_017934.7(PHIP):c.2202-10_2202-8delinsGG

Gene: PHIP (PHIP subunit of CUL4-Ring ligase complex; minus strand). Cytogenetic location: 6q14.1.
Variant type: Indel.
Coding change: c.2202-10_2202-8delinsGG on transcript NM_017934.7 (MANE Select); 10 bases into the intron before coding-DNA position 2202 through 8 bases into the intron before coding-DNA position 2202, TGT replaced by GG.
Molecular consequence: intron variant.
Genome position (GRCh38, 1-based): chr6:78,990,993-78,990,995, ACA replaced by CC on the plus strand (TGT replaced by GG on the coding strand, the reverse complement: PHIP is on the minus strand). VCF-style: chr6-78990993-ACA-CC. GRCh37 (hg19) VCF-style: chr6-79700710-ACA-CC.
Identifiers: ClinVar variation 1710452 (VCV001710452.3), dbSNP rs2482006781, ClinGen allele CA2580075872.